The following is an entry in ClinVar:

NM_017570.5(OPLAH):c.1806G>A (p.Ser602=)

Gene: OPLAH (5-oxoprolinase, ATP-hydrolysing; minus strand). Cytogenetic location: 8q24.3.
Variant type: single nucleotide variant.
Coding change: c.1806G>A on transcript NM_017570.5 (MANE Select); coding-DNA position 1806, G replaced by A.
Protein change: p.Ser602=; no amino-acid change (serine 602 retained).
Molecular consequence: synonymous variant.
Genome position (GRCh38, 1-based): chr8:144,056,656, C>T on the plus strand (G>A on the coding strand, the complement: OPLAH is on the minus strand). VCF-style: chr8-144056656-C-T. GRCh37 (hg19) VCF-style: chr8-145111559-C-T.
Identifiers: ClinVar variation 965734 (VCV000965734.6), dbSNP rs782390629, ClinGen allele CA4931727.

ClinVar aggregate classification (germline): Uncertain significance (1 of 4 stars; one submission).

Conditions:
5-Oxoprolinase deficiency (OPLAHD). Also called: 5-OXOPROLINURIA DUE TO 5-OXOPROLINASE DEFICIENCY. Identifiers: Orphanet 33572, MedGen C0268525, MONDO:0009825, OMIM 260005, HP:0040142.

Allele frequency attached by ClinVar (database versions not stated): TOPMed below 0.00001; gnomAD exomes 0.00001; ExAC 0.00002.

Submission:

Labcorp Genetics (formerly Invitae), Labcorp
Classification: Uncertain significance for 5-Oxoprolinase deficiency. Last evaluated: 2019-10-20. Review status: criteria provided, single submitter. Criteria: Invitae Variant Classification Sherloc (09022015). Collection method: clinical testing. Allele origin: germline.
Comment: In summary, the available evidence is currently insufficient to determine the role of this variant in disease. Therefore, it has been classified as a Variant of Uncertain Significance. This variant has not been reported in the literature in individuals with OPLAH-related conditions. The frequency data for this variant in the population databases is considered unreliable, as metrics indicate poor data quality at this position in the ExAC database. This sequence change affects codon 602 of the OPLAH mRNA. It is a 'silent' change, meaning that it does not change the encoded amino acid sequence of the OPLAH protein.